The following is an entry in ClinVar:

ClinVar aggregate classification (germline): Likely benign. Review status: criteria provided, multiple submitters, no conflicts (2 of 4 stars). 2 submissions from 2 submitters: Likely benign (2). Last evaluated 2026-06-01.

Conditions:
LITAF-related disorder. Also called: LITAF-related condition.
Charcot-Marie-Tooth disease type 1C. Also called: HMSN IC; CHARCOT-MARIE-TOOTH NEUROPATHY, TYPE 1C; NEUROPATHY, HEREDITARY MOTOR AND SENSORY, TYPE IC; Charcot-Marie-Tooth disease, type IC; CHARCOT-MARIE-TOOTH DISEASE, DEMYELINATING, TYPE 1C; CMT, SLOW NERVE CONDUCTION TYPE C. Identifiers: Orphanet 101083, MedGen C0270913, MONDO:0010995, OMIM 601098.

Allele frequency attached by ClinVar (database versions not stated): TOPMed 0.00001; ExAC 0.00002; gnomAD exomes 0.00002 and 0.00001; gnomAD 0.00005.
gnomAD v4.1: 22 of 1,614,114 alleles (0.0014%); highest among the groups gnomAD compares: Admixed American, 0.0033%; no homozygotes.

Submissions (2):

PreventionGenetics, part of Exact Sciences
Classification: Likely benign for LITAF-related condition. Last evaluated: 2026-06-01. Review status: criteria provided, single submitter. Criteria: ACMG Guidelines, 2015. Collection method: clinical testing. Allele origin: germline.
Comment: This variant is classified as likely benign based on ACMG/AMP sequence variant interpretation guidelines (Richards et al. 2015 PMID: 25741868, with internal and published modifications).

Labcorp Genetics (formerly Invitae), Labcorp
Classification: Likely benign for Charcot-Marie-Tooth disease type 1C. Last evaluated: 2025-10-21. Review status: criteria provided, single submitter. Criteria: Invitae Variant Classification Sherloc (09022015). Collection method: clinical testing. Allele origin: germline.

NM_001136472.2(LITAF):c.96T>C (p.Tyr32=)

Gene: LITAF (lipopolysaccharide induced TNF factor; minus strand). Cytogenetic location: 16p13.13.
Variant type: single nucleotide variant.
Coding change: c.96T>C on transcript NM_001136472.2 (MANE Select); coding-DNA position 96, T replaced by C.
Protein change: p.Tyr32=; no amino-acid change (tyrosine 32 retained).
Molecular consequence: synonymous variant. On other transcripts: non-coding transcript variant (1).
Genome position (GRCh38, 1-based): chr16:11,556,635, A>G on the plus strand (T>C on the coding strand, the complement: LITAF is on the minus strand). VCF-style: chr16-11556635-A-G. GRCh37 (hg19) VCF-style: chr16-11650491-A-G.
Other names: c.96T>C, p.Tyr32= (NM_001136473.1, NM_004862.4).
Identifiers: ClinVar variation 701020 (VCV000701020.10), dbSNP rs756187413, ClinGen allele CA7904188.